The following is an entry in ClinVar:

NM_001377.3(DYNC2H1):c.3744+9C>T

Gene: DYNC2H1 (dynein cytoplasmic 2 heavy chain 1; plus strand). Cytogenetic location: 11q22.3.
Variant type: single nucleotide variant.
Coding change: c.3744+9C>T on transcript NM_001377.3 (MANE Select); 9 bases into the intron after coding-DNA position 3744, C replaced by T.
Molecular consequence: intron variant.
Genome position (GRCh38, 1-based): chr11:103,155,510, C>T. VCF-style: chr11-103155510-C-T. GRCh37 (hg19) VCF-style: chr11-103026239-C-T.
Other names: c.3744+9C>T (NM_001080463.2).
Identifiers: ClinVar variation 281763 (VCV000281763.22), dbSNP rs142483417, ClinGen allele CA6253384.
Genomic context (GRCh38, chr11:103,155,510, plus strand): 5'-TGATTTGCTCAGAGTAGCTGATACAATTGTAGCCAAAGCTGCCGACCTTAAAGTATGAAT[C>T]ACTTTTATAAATATCCCATAAGTCTGGCCTTTTTTAATATACAATATTGCTTCATATTTT-3'

ClinVar aggregate classification (germline): Benign/Likely benign. Review status: criteria provided, multiple submitters, no conflicts (2 of 4 stars). 6 submissions from 6 submitters: Benign (1); Likely benign (4). 1 of the submissions does not count toward it. Last evaluated 2026-02-16.

Conditions:
DYNC2H1-related disorder. Also called: DYNC2H1-related condition; DYNC2H1-related disorders. Identifiers: MedGen CN378770.
Jeune thoracic dystrophy. Also called: Short-rib thoracic dysplasia; Jeune syndrome; Infantile thoracic dystrophy; Thoracic pelvic phalangeal dystrophy; Jeune's syndrome; Chondroectodermal dysplasia-like syndrome. Identifiers: Orphanet 474, MedGen C0265275, MONDO:0018770.

Allele frequency attached by ClinVar (database versions not stated): gnomAD exomes 0.00006 and 0.00019; ExAC 0.00027; TOPMed 0.00086; gnomAD 0.00093 and 0.00101; 1000 Genomes Project 0.00120; 1000 Genomes Project 30x 0.00125; ESP Exome Variant Server 0.00128.
gnomAD v4.1: 234 of 1,599,350 alleles (0.015%); highest among the groups gnomAD compares: African/African-American, 0.29%; 1 homozygote.

Submissions (6):

Women's Health and Genetics/Laboratory Corporation of America, LabCorp
Classification: Likely benign. Last evaluated: 2026-02-16. Review status: criteria provided, single submitter. Criteria: LabCorp Variant Classification Summary - May 2015. Collection method: clinical testing. Allele origin: germline.

Labcorp Genetics (formerly Invitae), Labcorp
Classification: Benign for Jeune thoracic dystrophy. Last evaluated: 2026-01-18. Review status: criteria provided, single submitter. Criteria: Invitae Variant Classification Sherloc (09022015). Collection method: clinical testing. Allele origin: germline.

Blueprint Genetics
Classification: Likely benign. Last evaluated: 2023-10-21. Review status: criteria provided, single submitter. Criteria: ACMG Guidelines, 2015. Collection method: clinical testing. Allele origin: germline.

Genetic Services Laboratory, University of Chicago
Classification: Likely benign. Last evaluated: 2020-03-17. Review status: criteria provided, single submitter. Criteria: ACMG Guidelines, 2015. Collection method: clinical testing. Allele origin: germline. Affected: no.

Eurofins Ntd Llc (ga)
Classification: Likely benign. Last evaluated: 2015-07-28. Review status: criteria provided, single submitter. Criteria: EGL Classification Definitions 2015. Collection method: clinical testing. Allele origin: germline. Observed: 1 variant allele, 1 heterozygote.

PreventionGenetics, part of Exact Sciences
Classification: Likely benign for DYNC2H1-related condition. Last evaluated: 2019-10-04. Review status: no assertion criteria provided. Collection method: clinical testing. Allele origin: germline. Not counted in ClinVar's aggregate classification.
Comment: This variant is classified as likely benign based on ACMG/AMP sequence variant interpretation guidelines (Richards et al. 2015 PMID: 25741868, with internal and published modifications).